The following is an entry in ClinVar:

ClinVar aggregate classification (germline): Uncertain significance (1 of 4 stars; one submission).

Conditions:
Cardiovascular phenotype. Identifiers: MedGen CN230736.

gnomAD v4.1: 1 of 1,614,156 alleles (0.000062%); highest among the groups gnomAD compares: Non-Finnish European, 0.000085%; no homozygotes.

Submission:

Ambry Genetics
Classification: Uncertain significance for Cardiovascular phenotype. Last evaluated: 2025-11-11. Review status: criteria provided, single submitter. Criteria: Ambry Variant Classification Scheme 2023. Collection method: clinical testing. Allele origin: germline.
Comment: The p.M417T variant (also known as c.1250T>C), located in coding exon 7 of the SPRED1 gene, results from a T to C substitution at nucleotide position 1250. The methionine at codon 417 is replaced by threonine, an amino acid with similar properties. This amino acid position is conserved. In addition, this alteration is predicted to be deleterious by in silico analysis. Based on the available evidence, the clinical significance of this variant remains unclear.

NM_152594.3(SPRED1):c.1250T>C (p.Met417Thr)

Gene: SPRED1 (sprouty related EVH1 domain containing 1; plus strand). Cytogenetic location: 15q14.
Variant type: single nucleotide variant.
Coding change: c.1250T>C on transcript NM_152594.3 (MANE Select); coding-DNA position 1250, T replaced by C.
Protein change: p.Met417Thr; replaces methionine 417 with threonine.
Molecular consequence: missense variant.
Genome position (GRCh38, 1-based): chr15:38,351,579, T>C. VCF-style: chr15-38351579-T-C. GRCh37 (hg19) VCF-style: chr15-38643780-T-C.
Other names: short protein forms M417T.
Identifiers: ClinVar variation 4615030 (VCV004615030.1).
Genomic context (GRCh38, chr15:38,351,579, plus strand): 5'-ACGACAAGTTCTGCTTGCGATGGTTAGCCCTGGTAGCTTTGTCTTTCATTGTACCATGTA[T>C]GTGCTGCTACGTCCCTTTGAGAATGTGCCATCGCTGTGGTGAGGCATGTGGTTGCTGTGG-3'
Protein context (NP_689807.1, residues 407-427): LVALSFIVPC[Met417Thr]CCYVPLRMCH